The following is an entry in ClinVar:

ClinVar aggregate classification (germline): Likely benign (0 of 4 stars; one submission).

Conditions:
FAM136A-related disorder. Also called: FAM136A-related condition.

Allele frequency attached by ClinVar (database versions not stated): gnomAD 0.00002.
gnomAD v4.1: 37 of 1,535,502 alleles (0.0024%); highest among the groups gnomAD compares: South Asian, 0.0048%; no homozygotes.

Submission:

PreventionGenetics, part of Exact Sciences
Classification: Likely benign for FAM136A-related condition. Last evaluated: 2019-06-14. Review status: no assertion criteria provided. Collection method: clinical testing. Allele origin: germline.
Comment: This variant is classified as likely benign based on ACMG/AMP sequence variant interpretation guidelines (Richards et al. 2015 PMID: 25741868, with internal and published modifications).

NM_001329752.2(FAM136A):c.369C>A (p.Leu123=)

Gene: FAM136A (family with sequence similarity 136 member A; minus strand). Cytogenetic location: 2p13.3.
Variant type: single nucleotide variant.
Coding change: c.369C>A on transcript NM_001329752.2 (MANE Select); coding-DNA position 369, C replaced by A.
Protein change: p.Leu123=; no amino-acid change (leucine 123 retained).
Molecular consequence: synonymous variant. On other transcripts: intron variant (5).
Genome position (GRCh38, 1-based): chr2:70,301,643, G>T on the plus strand (C>A on the coding strand, the complement: FAM136A is on the minus strand). VCF-style: chr2-70301643-G-T. GRCh37 (hg19) VCF-style: chr2-70528775-G-T.
Other names: c.87+282C>A (NM_032822.3); c.-88-40C>A (NM_001329758.2); c.-202-40C>A (NM_001329757.2); c.-629-40C>A (NM_001329755.2); c.342+27C>A (NM_001329753.2).
Identifiers: ClinVar variation 3034119 (VCV003034119.2), dbSNP rs899299816, ClinGen allele CA49653228.